The following is an entry in ClinVar:

ClinVar aggregate classification (germline): Benign (1 of 4 stars; one submission).

Conditions:
Immunodeficiency 35 (IMD35). Also called: HIES WITH ATYPICAL MYCOBACTERIOSIS, AUTOSOMAL RECESSIVE; HYPER-IgE SYNDROME WITH ATYPICAL MYCOBACTERIOSIS, AUTOSOMAL RECESSIVE; TYK2 DEFICIENCY; Susceptibility to infection due to TYK2 deficiency. Identifiers: Orphanet 331226, MedGen C1969086, MONDO:0012682, OMIM 611521.

Allele frequency attached by ClinVar (database versions not stated): gnomAD 0.00691 and 0.00738; TOPMed 0.00802; 1000 Genomes Project 0.00859; 1000 Genomes Project 30x 0.00890.

Submission:

Illumina Laboratory Services, Illumina
Classification: Benign for Immunodeficiency 35. Last evaluated: 2018-01-12. Review status: criteria provided, single submitter. Criteria: ICSL Variant Classification Criteria 13 December 2019. Collection method: clinical testing. Allele origin: germline.
Comment: This variant was observed in the ICSL laboratory as part of a predisposition screen in an ostensibly healthy population. It had not been previously curated by ICSL or reported in the Human Gene Mutation Database (HGMD: prior to June 1st, 2018), and was therefore a candidate for classification through an automated scoring system. Utilizing variant allele frequency, disease prevalence and penetrance estimates, and inheritance mode, an automated score was calculated to assess if this variant is too frequent to cause the disease. Based on the score and internal cut-off values, a variant classified as benign is not then subjected to further curation. The score for this variant resulted in a classification of benign for this disease.

NM_003331.5(TYK2):c.-151T>G

Gene: TYK2 (tyrosine kinase 2; minus strand). Cytogenetic location: 19p13.2.
Variant type: single nucleotide variant.
Coding change: c.-151T>G on transcript NM_003331.5 (MANE Select); 151 bases upstream of the start codon, T replaced by G.
Molecular consequence: 5 prime UTR variant.
Genome position (GRCh38, 1-based): chr19:10,379,745, A>C on the plus strand (T>G on the coding strand, the complement: TYK2 is on the minus strand). VCF-style: chr19-10379745-A-C. GRCh37 (hg19) VCF-style: chr19-10490421-A-C.
Other names: c.-151T>G (LRG_121t1).
Identifiers: ClinVar variation 327966 (VCV000327966.5), dbSNP rs12720221, ClinGen allele CA10651395.